The following is an entry in ClinVar:

ClinVar aggregate classification (germline): Uncertain significance (1 of 4 stars; one submission).

Conditions:
Kleefstra syndrome 1 (KLEFS1). Identifiers: Orphanet 261494, MedGen C0795833, MONDO:0027407, OMIM 610253.

Allele frequency attached by ClinVar (database versions not stated): gnomAD 0.00001; gnomAD exomes 0.00001; TOPMed 0.00001.
gnomAD v4.1: 15 of 1,608,382 alleles (0.00093%); highest among the groups gnomAD compares: Non-Finnish European, 0.0013%; no homozygotes.

Submission:

Labcorp Genetics (formerly Invitae), Labcorp
Classification: Uncertain significance for Kleefstra syndrome 1. Last evaluated: 2023-06-23. Review status: criteria provided, single submitter. Criteria: Invitae Variant Classification Sherloc (09022015). Collection method: clinical testing. Allele origin: germline.
Comment: Variants that disrupt the consensus splice site are a relatively common cause of aberrant splicing (PMID: 17576681, 9536098). Algorithms developed to predict the effect of sequence changes on RNA splicing suggest that this variant is not likely to affect RNA splicing. In summary, the available evidence is currently insufficient to determine the role of this variant in disease. Therefore, it has been classified as a Variant of Uncertain Significance. ClinVar contains an entry for this variant (Variation ID: 1465218). This variant has not been reported in the literature in individuals affected with EHMT1-related conditions. This variant is not present in population databases (gnomAD no frequency). This sequence change falls in intron 17 of the EHMT1 gene. It does not directly change the encoded amino acid sequence of the EHMT1 protein. It affects a nucleotide within the consensus splice site.

Literature cited by the submitters: PubMed 17576681; PubMed 9536098.

NM_024757.5(EHMT1):c.2607+4C>T

Gene: EHMT1 (euchromatic histone lysine methyltransferase 1; plus strand). Cytogenetic location: 9q34.3.
Variant type: single nucleotide variant.
Coding change: c.2607+4C>T on transcript NM_024757.5 (MANE Select); 4 bases into the intron after coding-DNA position 2607, C replaced by T.
Molecular consequence: intron variant.
Genome position (GRCh38, 1-based): chr9:137,798,918, C>T. VCF-style: chr9-137798918-C-T. GRCh37 (hg19) VCF-style: chr9-140693370-C-T.
Other names: c.2586+4C>T (NM_001354263.2).
Identifiers: ClinVar variation 1465218 (VCV001465218.8), dbSNP rs1413443727, ClinGen allele CA861212814.